The following is an entry in ClinVar:

ClinVar aggregate classification (germline): Uncertain significance. Review status: criteria provided, multiple submitters, no conflicts (2 of 4 stars). 3 submissions from 3 submitters: Uncertain significance (3). Last evaluated 2026-01-29.

Submissions (3):

GeneDx
Classification: Uncertain significance. Last evaluated: 2026-01-29. Review status: criteria provided, single submitter. Criteria: GeneDx Variant Classification Process June 2021. Collection method: clinical testing. Allele origin: germline.
Comment: Not observed at significant frequency in large population cohorts (gnomAD); In silico analysis supports that this missense variant has a deleterious effect on protein structure/function; Has not been previously published as pathogenic or benign to our knowledge

Labcorp Genetics (formerly Invitae), Labcorp
Classification: Uncertain significance. Last evaluated: 2024-09-05. Review status: criteria provided, single submitter. Criteria: Invitae Variant Classification Sherloc (09022015). Collection method: clinical testing. Allele origin: germline.
Comment: This sequence change replaces histidine, which is basic and polar, with proline, which is neutral and non-polar, at codon 870 of the HK1 protein (p.His870Pro). This variant is not present in population databases (gnomAD no frequency). This variant has not been reported in the literature in individuals affected with HK1-related conditions. An algorithm developed to predict the effect of missense changes on protein structure and function (PolyPhen-2) suggests that this variant is likely to be disruptive. In summary, the available evidence is currently insufficient to determine the role of this variant in disease. Therefore, it has been classified as a Variant of Uncertain Significance.

Blueprint Genetics
Classification: Uncertain significance. Last evaluated: 2018-06-18. Review status: criteria provided, single submitter. Criteria: ACMG Guidelines, 2015. Collection method: clinical testing. Allele origin: germline.

NM_000188.3(HK1):c.2609A>C (p.His870Pro)

Gene: HK1 (hexokinase 1; plus strand). Cytogenetic location: 10q22.1.
Variant type: single nucleotide variant.
Coding change: c.2609A>C on transcript NM_000188.3 (MANE Select); coding-DNA position 2609, A replaced by C.
Protein change: p.His870Pro; replaces histidine 870 with proline.
Molecular consequence: missense variant.
Genome position (GRCh38, 1-based): chr10:69,398,828, A>C. VCF-style: chr10-69398828-A-C. GRCh37 (hg19) VCF-style: chr10-71158584-A-C.
Other names: c.2621A>C, p.His874Pro (NM_001322364.2, NM_001358263.1, NM_033497.3 and 1 more transcripts); c.2714A>C, p.His905Pro (NM_001322365.2); c.2525A>C, p.His842Pro (NM_001322366.1); c.2513A>C, p.His838Pro (NM_001322367.1); c.2606A>C, p.His869Pro (NM_033496.3); c.2573A>C, p.His858Pro (NM_033500.2); short protein forms H838P, H842P, H858P, H869P, H870P, H874P, H905P.
Identifiers: ClinVar variation 3573650 (VCV003573650.5).
Genomic context (GRCh38, chr10:69,398,828, plus strand): 5'-GACTGGACCGTCTGAATGTGACTGTGGGAGTGGACGGGACACTCTACAAGCTTCATCCAC[A>C]GTGAGTGGGCCTTCCAGTTGGGATGCGCAGAGCTTGCTGGGATCCCTTTGGGTTAGGGGG-3'
Protein context (NP_000179.2, residues 860-880): VDGTLYKLHP[His870Pro]FSRIMHQTVK